The following is an entry in ClinVar:

NM_021100.5(NFS1):c.1220+240G>A

Gene: NFS1 (NFS1 cysteine desulfurase; minus strand). Cytogenetic location: 20q11.22.
Variant type: single nucleotide variant.
Coding change: c.1220+240G>A on transcript NM_021100.5 (MANE Select); 240 bases into the intron after coding-DNA position 1220, G replaced by A.
Molecular consequence: intron variant.
Genome position (GRCh38, 1-based): chr20:35,673,361, C>T on the plus strand (G>A on the coding strand, the complement: NFS1 is on the minus strand). VCF-style: chr20-35673361-C-T. GRCh37 (hg19) VCF-style: chr20-34261283-C-T.
Other names: c.1067+240G>A (NM_001198989.2).
Identifiers: ClinVar variation 673742 (VCV000673742.1), dbSNP rs73616696, ClinGen allele CA314191566.

ClinVar aggregate classification (germline): Likely benign (1 of 4 stars; one submission).

Allele frequency attached by ClinVar (database versions not stated): gnomAD 0.00609 and 0.00649; TOPMed 0.00682; 1000 Genomes Project 30x 0.01562; 1000 Genomes Project 0.01597.
gnomAD v4.1: 977 of 152,048 alleles (0.64%); highest among the groups gnomAD compares: East Asian, 4.1%; 8 homozygotes.

Submission:

GeneDx
Classification: Likely benign. Last evaluated: 2018-06-16. Review status: criteria provided, single submitter. Criteria: GeneDx Variant Classification (06012015). Collection method: clinical testing. Allele origin: germline. Affected: yes.
Comment: This variant is considered likely benign or benign based on one or more of the following criteria: it is a conservative change, it occurs at a poorly conserved position in the protein, it is predicted to be benign by multiple in silico algorithms, and/or has population frequency not consistent with disease.